The following is an entry in ClinVar:

NM_001395413.1(POR):c.1501G>A (p.Gly501Arg)

Gene: POR (cytochrome p450 oxidoreductase; plus strand). Cytogenetic location: 7q11.23.
Variant type: single nucleotide variant.
Coding change: c.1501G>A on transcript NM_001395413.1 (MANE Select); coding-DNA position 1501, G replaced by A.
Protein change: p.Gly501Arg; replaces glycine 501 with arginine.
Molecular consequence: missense variant.
Genome position (GRCh38, 1-based): chr7:75,985,690, G>A. VCF-style: chr7-75985690-G-A. GRCh37 (hg19) VCF-style: chr7-75615008-G-A.
Other names: c.1510G>A, p.Gly504Arg (NM_000941.2, NM_000941.3); c.1501G>A, p.Gly501Arg (NM_001367562.3, NM_001382657.2, NM_001382658.3 and 1 more transcripts); c.1555G>A, p.Gly519Arg (NM_001382655.3); c.1351G>A, p.Gly451Arg (NM_001382662.3); short protein forms G451R, G501R, G504R, G519R.
Identifiers: ClinVar variation 2042252 (VCV002042252.1), dbSNP rs563243612, ClinGen allele CA4304167.
Genomic context (GRCh38, chr7:75,985,690, plus strand): 5'-AAGGCTGGCCGCATCAACAAGGGCGTGGCCACCAACTGGCTGCGGGCCAAGGAGCCTGCC[G>A]GGGAGAACGGCGGCCGTGCGCTGGTGCCCATGTTCGTGCGCAAGTCCCAGTTCCGCCTGC-3'
Protein context (NP_001382342.1, residues 491-511): TNWLRAKEPA[Gly501Arg]ENGGRALVPM

ClinVar aggregate classification (germline): Uncertain significance (1 of 4 stars; one submission).

Conditions:
Congenital adrenal hyperplasia due to cytochrome P450 oxidoreductase deficiency. Also called: DISORDERED STEROIDOGENESIS DUE TO POR DEFICIENCY. Identifiers: Orphanet 95699, MedGen C1860042, MONDO:0013310, OMIM 613571.

gnomAD v4.1: 12 of 1,592,544 alleles (0.00075%); highest among the groups gnomAD compares: East Asian, 0.011%; no homozygotes.

Submission:

Labcorp Genetics (formerly Invitae), Labcorp
Classification: Uncertain significance for Congenital adrenal hyperplasia due to cytochrome P450 oxidoreductase deficiency. Last evaluated: 2022-07-02. Review status: criteria provided, single submitter. Criteria: Invitae Variant Classification Sherloc (09022015). Collection method: clinical testing. Allele origin: germline.
Comment: This sequence change replaces glycine, which is neutral and non-polar, with arginine, which is basic and polar, at codon 504 of the POR protein (p.Gly504Arg). The frequency data for this variant in the population databases is considered unreliable, as metrics indicate poor data quality at this position in the gnomAD database. This variant has not been reported in the literature in individuals affected with POR-related conditions. Algorithms developed to predict the effect of missense changes on protein structure and function (SIFT, PolyPhen-2, Align-GVGD) all suggest that this variant is likely to be tolerated. Experimental studies are conflicting or provide insufficient evidence to determine the effect of this variant on POR function (PMID: 18433346, 18551037, 20732302, 23353702, 27068427). In summary, the available evidence is currently insufficient to determine the role of this variant in disease. Therefore, it has been classified as a Variant of Uncertain Significance.

Literature cited by the submitters: PubMed 18433346; PubMed 18551037; PubMed 20732302; PubMed 23353702; PubMed 27068427.